The following is an entry in ClinVar:

ClinVar aggregate classification (germline): Likely pathogenic (1 of 4 stars; one submission).

Conditions:
Gaucher disease. Also called: Acute cerebral Gaucher disease; Cerebroside lipidosis syndrome; Gaucher splenomegaly; Sphingolipidosis 1; Glucocerebrosidosis; Glucosylceramidase deficiency. Identifiers: Orphanet 355, MedGen C0017205, MONDO:0018150.

gnomAD v4.1: 1 of 1,598,222 alleles (0.000063%); highest among the groups gnomAD compares: Non-Finnish European, 0.000085%; no homozygotes.

Submission:

Natera, Inc.
Classification: Likely pathogenic for Gaucher disease. Last evaluated: 2024-03-19. Review status: criteria provided, single submitter. Criteria: Natera Variant Classification Schema (03/2026). Collection method: clinical testing. Allele origin: germline.
Comment: The c.1388+1G>T variant in GBA1 is a canonical splice donor site variant predicted to affect pre-mRNA splicing, which may result in an abnormal transcript and altered protein product. This variant is expected to result in nonsense mediated decay, truncation, or a dysfunctional protein product. This variant is rare in the general population with a frequency below the threshold expected for the associated phenotype(s). Given the available evidence, this variant is classified as Likely Pathogenic.

NM_000157.4(GBA1):c.1388+1G>T

Genes: GBA1 (glucosylceramidase beta 1; minus strand), LOC106627981 (GBA recombination region; plus strand). Cytogenetic location: 1q22.
Variant type: single nucleotide variant.
Coding change: c.1388+1G>T on transcript NM_000157.4 (MANE Select); the canonical splice donor site of the intron after coding-DNA position 1388, G replaced by T.
Molecular consequence: splice donor variant.
Genome position (GRCh38, 1-based): chr1:155,235,680, C>A on the plus strand (G>T on the coding strand, the complement: GBA1 is on the minus strand). VCF-style: chr1-155235680-C-A. GRCh37 (hg19) VCF-style: chr1-155205471-C-A.
Other names: c.1127+1G>T (NM_001171811.2); c.1388+1G>T (NM_001005742.3, NM_001005741.3); c.1241+1G>T (NM_001171812.2).
Identifiers: ClinVar variation 4817720 (VCV004817720.1).